The following is an entry in ClinVar:

NM_005886.3(KATNB1):c.489G>A (p.Ala163=)

Gene: KATNB1 (katanin regulatory subunit B1; plus strand). Cytogenetic location: 16q21.
Variant type: single nucleotide variant.
Coding change: c.489G>A on transcript NM_005886.3 (MANE Select); coding-DNA position 489, G replaced by A.
Protein change: p.Ala163=; no amino-acid change (alanine 163 retained).
Molecular consequence: synonymous variant.
Genome position (GRCh38, 1-based): chr16:57,751,697, G>A. VCF-style: chr16-57751697-G-A. GRCh37 (hg19) VCF-style: chr16-57785609-G-A.
Identifiers: ClinVar variation 790706 (VCV000790706.14), dbSNP rs61729344, ClinGen allele CA8080771.
Genomic context (GRCh38, chr16:57,751,697, plus strand): 5'-TCAGGGGCACAGCCAGGCCGTGCGGTGTCTCCGGTTCAGCCCCGATGGGAAGTGGTTGGC[G>A]TCGGCCGCAGATGACCACACCGTGAAGGTAGCTCCCGGCCTGACCTGGGCCCAGGGGCTG-3'
Protein context (NP_005877.2, residues 153-173): LRFSPDGKWL[Ala163=]SAADDHTVKL

ClinVar aggregate classification (germline): Benign. Review status: criteria provided, multiple submitters, no conflicts (2 of 4 stars). 4 submissions from 4 submitters: Benign (3). 1 of the submissions does not count toward it. Last evaluated 2026-01-27.

Conditions:
KATNB1-related disorder. Also called: KATNB1-related condition.

Allele frequency attached by ClinVar (database versions not stated): gnomAD exomes 0.00245 and 0.00643; ExAC 0.00799; gnomAD 0.02451 and 0.02619; TOPMed 0.02704; 1000 Genomes Project 0.02716; 1000 Genomes Project 30x 0.02826; ESP Exome Variant Server 0.02917.
gnomAD v4.1: 7,529 of 1,610,724 alleles (0.47%); highest among the groups gnomAD compares: African/African-American, 8.7%; 283 homozygotes.

Submissions (4):

Labcorp Genetics (formerly Invitae), Labcorp
Classification: Benign. Last evaluated: 2026-01-27. Review status: criteria provided, single submitter. Criteria: Invitae Variant Classification Sherloc (09022015). Collection method: clinical testing. Allele origin: germline.

GeneDx
Classification: Benign. Last evaluated: 2018-07-17. Review status: criteria provided, single submitter. Criteria: GeneDx Variant Classification Process June 2021. Collection method: clinical testing. Allele origin: germline. Affected: yes.

Breakthrough Genomics
Classification: Benign. Review status: criteria provided, single submitter. Criteria: ACMG Guidelines, 2015. Collection method: not provided. Allele origin: germline. Inheritance: Autosomal recessive inheritance. Affected: yes.

PreventionGenetics, part of Exact Sciences
Classification: Benign for KATNB1-related condition. Last evaluated: 2019-08-28. Review status: no assertion criteria provided. Collection method: clinical testing. Allele origin: germline. Not counted in ClinVar's aggregate classification.
Comment: This variant is classified as benign based on ACMG/AMP sequence variant interpretation guidelines (Richards et al. 2015 PMID: 25741868, with internal and published modifications).